The following is an entry in ClinVar:

NM_002439.5(MSH3):c.668A>G (p.Lys223Arg)

Gene: MSH3 (mutS homolog 3; plus strand). Cytogenetic location: 5q14.1.
Variant type: single nucleotide variant.
Coding change: c.668A>G on transcript NM_002439.5 (MANE Select); coding-DNA position 668, A replaced by G.
Protein change: p.Lys223Arg; replaces lysine 223 with arginine.
Molecular consequence: missense variant.
Genome position (GRCh38, 1-based): chr5:80,670,185, A>G. VCF-style: chr5-80670185-A-G. GRCh37 (hg19) VCF-style: chr5-79966004-A-G.
Other names: short protein forms K223R.
Identifiers: ClinVar variation 1754892 (VCV001754892.2), dbSNP rs2546721124, ClinGen allele CA360266702.

ClinVar aggregate classification (germline): Uncertain significance (1 of 4 stars; one submission).

Conditions:
Hereditary cancer-predisposing syndrome. Also called: Neoplastic Syndromes, Hereditary; Tumor predisposition; Hereditary Cancer Syndrome; Hereditary neoplastic syndrome. Identifiers: Orphanet 140162, MedGen C0027672, MeSH D009386, MONDO:0015356.

Submission:

Ambry Genetics
Classification: Uncertain significance for Hereditary cancer-predisposing syndrome. Last evaluated: 2022-01-26. Review status: criteria provided, single submitter. Criteria: Ambry Variant Classification Scheme 2023. Collection method: clinical testing. Allele origin: germline.
Comment: The p.K223R variant (also known as c.668A>G), located in coding exon 4 of the MSH3 gene, results from an A to G substitution at nucleotide position 668. The lysine at codon 223 is replaced by arginine, an amino acid with highly similar properties. This amino acid position is conserved. In addition, this alteration is predicted to be tolerated by in silico analysis. Since supporting evidence is limited at this time, the clinical significance of this alteration remains unclear.